The following is an entry in ClinVar:

NM_001543.5(NDST1):c.1438-6C>T

Gene: NDST1 (N-deacetylase and N-sulfotransferase 1; plus strand). Cytogenetic location: 5q33.1.
Variant type: single nucleotide variant.
Coding change: c.1438-6C>T on transcript NM_001543.5 (MANE Select); 6 bases into the intron before coding-DNA position 1438, C replaced by T.
Molecular consequence: intron variant.
Genome position (GRCh38, 1-based): chr5:150,539,222, C>T. VCF-style: chr5-150539222-C-T. GRCh37 (hg19) VCF-style: chr5-149918784-C-T.
Other names: c.1438-6C>T (NM_001301063.2).
Identifiers: ClinVar variation 2266463 (VCV002266463.2), dbSNP rs540431476, ClinGen allele CA3512675.

ClinVar aggregate classification (germline): Uncertain significance (1 of 4 stars; one submission).

Conditions:
Inborn genetic diseases. Identifiers: MedGen C0950123, MeSH D030342.

Allele frequency attached by ClinVar (database versions not stated): gnomAD exomes 0.00001; ExAC 0.00002; TOPMed 0.00002; gnomAD 0.00004.
gnomAD v4.1: 20 of 1,612,838 alleles (0.0012%); highest among the groups gnomAD compares: Non-Finnish European, 0.0015%; no homozygotes.

Submission:

Ambry Genetics
Classification: Uncertain significance for Inborn genetic diseases. Last evaluated: 2022-01-28. Review status: criteria provided, single submitter. Criteria: Ambry Variant Classification Scheme 2023. Collection method: clinical testing. Allele origin: germline.
Comment: The c.1438-6C>T intronic alteration consists of a C to T substitution 6 nucleotides before coding exon 6 in the NDST1 gene. Based on insufficient or conflicting evidence, the clinical significance of this alteration remains unclear.